The following is an entry in ClinVar:

NM_000057.4(BLM):c.2307+1G>C

Gene: BLM (BLM RecQ like helicase; plus strand). Cytogenetic location: 15q26.1.
Variant type: single nucleotide variant.
Coding change: c.2307+1G>C on transcript NM_000057.4 (MANE Select); the canonical splice donor site of the intron after coding-DNA position 2307, G replaced by C.
Molecular consequence: splice donor variant.
Genome position (GRCh38, 1-based): chr15:90,767,024, G>C. VCF-style: chr15-90767024-G-C. GRCh37 (hg19) VCF-style: chr15-91310254-G-C.
Other names: c.2307+1G>C (NM_001287246.2, NM_001287247.2); c.1182+1G>C (NM_001287248.2).
Identifiers: ClinVar variation 2895959 (VCV002895959.3), dbSNP rs2505447704, ClinGen allele CA393845009.

ClinVar aggregate classification (germline): Uncertain significance (1 of 4 stars; one submission).

Conditions:
Bloom syndrome (BLM). Also called: Bloom-Torre-Machacek syndrome. Identifiers: Orphanet 125, MedGen C0005859, MONDO:0008876, OMIM 210900.

Submission:

Labcorp Genetics (formerly Invitae), Labcorp
Classification: Uncertain significance for Bloom syndrome. Last evaluated: 2024-01-03. Review status: criteria provided, single submitter. Criteria: Invitae Variant Classification Sherloc (09022015). Collection method: clinical testing. Allele origin: germline.
Comment: This sequence change affects a donor splice site in intron 10 of the BLM gene. RNA analysis indicates that disruption of this splice site induces altered splicing and likely results in a shortened protein product. This variant is not present in population databases (gnomAD no frequency). This variant has not been reported in the literature in individuals affected with BLM-related conditions. Studies have shown that disruption of this splice site results in skipping of 10 , but is expected to preserve the integrity of the reading-frame (Inviate). In summary, the available evidence is currently insufficient to determine the role of this variant in disease. Therefore, it has been classified as a Variant of Uncertain Significance.